The following is an entry in ClinVar:

NM_000552.5(VWF):c.7024C>T (p.Arg2342Cys)

Gene: VWF (von Willebrand factor; minus strand). Cytogenetic location: 12p13.31.
Variant type: single nucleotide variant.
Coding change: c.7024C>T on transcript NM_000552.5 (MANE Select); coding-DNA position 7024, C replaced by T.
Protein change: p.Arg2342Cys; replaces arginine 2342 with cysteine.
Molecular consequence: missense variant.
Genome position (GRCh38, 1-based): chr12:5,983,207, G>A on the plus strand (C>T on the coding strand, the complement: VWF is on the minus strand). VCF-style: chr12-5983207-G-A. GRCh37 (hg19) VCF-style: chr12-6092373-G-A.
Other names: short protein forms R2342C.
Identifiers: ClinVar variation 3778146 (VCV003778146.7).

ClinVar aggregate classification (germline): Uncertain significance (1 of 4 stars; one submission).

gnomAD v4.1: 21 of 1,613,988 alleles (0.0013%); highest among the groups gnomAD compares: East Asian, 0.0045%; no homozygotes.

Submission:

CeGaT Center for Human Genetics Tuebingen
Classification: Uncertain significance. Last evaluated: 2025-03-01. Review status: criteria provided, single submitter. Criteria: CeGaT Center For Human Genetics Tuebingen Variant Classification Criteria Version 2. Collection method: clinical testing. Allele origin: germline. Affected: yes. Observed: 1 variant allele.
Comment: VWF: PM5, PM2:Supporting, BP4